The following is an entry in ClinVar:

NM_004104.5(FASN):c.5476C>G (p.Leu1826Val)

Gene: FASN (fatty acid synthase; minus strand). Cytogenetic location: 17q25.3.
Variant type: single nucleotide variant.
Coding change: c.5476C>G on transcript NM_004104.5 (MANE Select); coding-DNA position 5476, C replaced by G.
Protein change: p.Leu1826Val; replaces leucine 1826 with valine.
Molecular consequence: missense variant.
Genome position (GRCh38, 1-based): chr17:82,083,291, G>C on the plus strand (C>G on the coding strand, the complement: FASN is on the minus strand). VCF-style: chr17-82083291-G-C. GRCh37 (hg19) VCF-style: chr17-80041167-G-C.
Other names: short protein forms L1826V.
Identifiers: ClinVar variation 1483307 (VCV001483307.8), dbSNP rs775917581, ClinGen allele CA8851676.

ClinVar aggregate classification (germline): Uncertain significance (1 of 4 stars; one submission).

Conditions:
Epileptic encephalopathy. Identifiers: MedGen C0543888, HP:0200134.

Allele frequency attached by ClinVar (database versions not stated): gnomAD exomes below 0.00001; TOPMed below 0.00001; ExAC 0.00001; gnomAD 0.00001.
gnomAD v4.1: 1 of 1,612,640 alleles (0.000062%); highest among the groups gnomAD compares: African/African-American, 0.0013%; no homozygotes.

Submission:

Labcorp Genetics (formerly Invitae), Labcorp
Classification: Uncertain significance for Epileptic encephalopathy. Last evaluated: 2024-08-05. Review status: criteria provided, single submitter. Criteria: Invitae Variant Classification Sherloc (09022015). Collection method: clinical testing. Allele origin: germline.
Comment: This sequence change replaces leucine, which is neutral and non-polar, with valine, which is neutral and non-polar, at codon 1826 of the FASN protein (p.Leu1826Val). This variant is present in population databases (rs775917581, gnomAD 0.007%). This variant has not been reported in the literature in individuals affected with FASN-related conditions. ClinVar contains an entry for this variant (Variation ID: 1483307). An algorithm developed to predict the effect of missense changes on protein structure and function (PolyPhen-2) suggests that this variant is likely to be disruptive. In summary, the available evidence is currently insufficient to determine the role of this variant in disease. Therefore, it has been classified as a Variant of Uncertain Significance.